The following is an entry in ClinVar:

NM_030777.4(SLC2A10):c.142G>C (p.Glu48Gln)

Gene: SLC2A10 (solute carrier family 2 member 10; plus strand). Cytogenetic location: 20q13.12.
Variant type: single nucleotide variant.
Coding change: c.142G>C on transcript NM_030777.4 (MANE Select); coding-DNA position 142, G replaced by C.
Protein change: p.Glu48Gln; replaces glutamic acid 48 with glutamine.
Molecular consequence: missense variant.
Genome position (GRCh38, 1-based): chr20:46,725,178, G>C. VCF-style: chr20-46725178-G-C. GRCh37 (hg19) VCF-style: chr20-45353817-G-C.
Other names: short protein forms E48Q.
Identifiers: ClinVar variation 626892 (VCV000626892.15), dbSNP rs1252274574, ClinGen allele CA409266430.
Genomic context (GRCh38, chr20:46,725,178, plus strand): 5'-GTCATATCAGGTGCCCTGCTGCCACTGCAGCTTGACTTTGGGCTAAGCTGCTTGGAGCAG[G>C]AGTTCCTGGTGGGCAGCCTGCTCCTGGGGGCTCTCCTCGCCTCCCTGGTTGGTGGCTTCC-3'
Protein context (NP_110404.1, residues 38-58): LDFGLSCLEQ[Glu48Gln]FLVGSLLLGA

ClinVar aggregate classification (germline): Uncertain significance. Review status: criteria provided, multiple submitters, no conflicts (2 of 4 stars). 4 submissions from 4 submitters: Uncertain significance (4). Last evaluated 2025-04-20.

Conditions:
Familial thoracic aortic aneurysm and aortic dissection (TAAD). Also called: Thoracic aortic aneurysms and dissections. Identifiers: Orphanet 91387, MedGen C4707243, MONDO:0019625.
Arterial tortuosity syndrome (ATORS). Identifiers: Orphanet 3342, MedGen C1859726, MONDO:0008818, OMIM 208050.

Allele frequency attached by ClinVar (database versions not stated): gnomAD exomes below 0.00001; TOPMed below 0.00001; gnomAD 0.00001.
gnomAD v4.1: 6 of 1,614,086 alleles (0.00037%); highest among the groups gnomAD compares: Non-Finnish European, 0.00051%; no homozygotes.

Submissions (4):

Ambry Genetics
Classification: Uncertain significance for Familial thoracic aortic aneurysm and aortic dissection. Last evaluated: 2025-04-20. Review status: criteria provided, single submitter. Criteria: Ambry Variant Classification Scheme 2023. Collection method: clinical testing. Allele origin: germline.
Comment: The p.E48Q variant (also known as c.142G>C), located in coding exon 2 of the SLC2A10 gene, results from a G to C substitution at nucleotide position 142. The glutamic acid at codon 48 is replaced by glutamine, an amino acid with highly similar properties. This amino acid position is highly conserved in available vertebrate species. In addition, the in silico prediction for this alteration is inconclusive. Since supporting evidence is limited at this time, the clinical significance of this alteration remains unclear.

Labcorp Genetics (formerly Invitae), Labcorp
Classification: Uncertain significance for Arterial tortuosity syndrome. Last evaluated: 2021-04-26. Review status: criteria provided, single submitter. Criteria: Invitae Variant Classification Sherloc (09022015). Collection method: clinical testing. Allele origin: germline.
Comment: In summary, the available evidence is currently insufficient to determine the role of this variant in disease. Therefore, it has been classified as a Variant of Uncertain Significance. Advanced modeling of protein sequence and biophysical properties (such as structural, functional, and spatial information, amino acid conservation, physicochemical variation, residue mobility, and thermodynamic stability) performed at Invitae indicates that this missense variant is expected to disrupt SLC2A10 protein function. This variant has not been reported in the literature in individuals with SLC2A10-related conditions. ClinVar contains an entry for this variant (Variation ID: 626892). This variant is not present in population databases (ExAC no frequency). This sequence change replaces glutamic acid with glutamine at codon 48 of the SLC2A10 protein (p.Glu48Gln). The glutamic acid residue is moderately conserved and there is a small physicochemical difference between glutamic acid and glutamine.

GeneDx
Classification: Uncertain significance. Last evaluated: 2020-06-10. Review status: criteria provided, single submitter. Criteria: GeneDx Variant Classification Process June 2021. Collection method: clinical testing. Allele origin: germline. Affected: yes.
Comment: Not observed at a significant frequency in large population cohorts (Lek et al., 2016); In silico analysis supports that this missense variant has a deleterious effect on protein structure/function; Has not been previously published as pathogenic or benign to our knowledge

CHEO Genetics Diagnostic Laboratory, Children's Hospital of Eastern Ontario
Classification: Uncertain significance for Familial thoracic aortic aneurysm and aortic dissection. Last evaluated: 2017-04-18. Review status: criteria provided, single submitter. Criteria: ACMG Guidelines, 2015. Collection method: clinical testing. Allele origin: germline. Study: Canadian Open Genetics Repository.